The following is an entry in ClinVar:

ClinVar aggregate classification (germline): Uncertain significance (1 of 4 stars; one submission).

Submission:

Greenwood Genetic Center Diagnostic Laboratories, Greenwood Genetic Center
Classification: Uncertain significance. Last evaluated: 2023-02-23. Review status: criteria provided, single submitter. Criteria: ACMG Guidelines, 2015. Collection method: clinical testing. Allele origin: germline. Affected: yes.
Comment: PM2, PP2

NM_138576.4(BCL11B):c.655T>C (p.Ser219Pro)

Gene: BCL11B (BCL11 transcription factor B; minus strand). Cytogenetic location: 14q32.2.
Variant type: single nucleotide variant.
Coding change: c.655T>C on transcript NM_138576.4 (MANE Select); coding-DNA position 655, T replaced by C.
Protein change: p.Ser219Pro; replaces serine 219 with proline.
Molecular consequence: missense variant.
Genome position (GRCh38, 1-based): chr14:99,176,181, A>G on the plus strand (T>C on the coding strand, the complement: BCL11B is on the minus strand). VCF-style: chr14-99176181-A-G. GRCh37 (hg19) VCF-style: chr14-99642518-A-G.
Other names: c.652T>C, p.Ser218Pro (NM_001282237.2); c.439T>C, p.Ser147Pro (NM_001282238.2); c.442T>C, p.Ser148Pro (NM_022898.3); short protein forms S147P, S148P, S218P, S219P.
Identifiers: ClinVar variation 2505183 (VCV002505183.1), dbSNP rs2503653703, ClinGen allele CA390937063.